The following is an entry in ClinVar:

ClinVar aggregate classification (germline): Uncertain significance (1 of 4 stars; one submission).

Conditions:
Congenital contractural arachnodactyly (CCA). Also called: BEALS SYNDROME; Beals-Hecht syndrome; Arthrogryposis, distal, type 9. Identifiers: Orphanet 115, MedGen C0220668, MONDO:0007363, OMIM 121050.

Allele frequency attached by ClinVar (database versions not stated): gnomAD below 0.00001 and 0.00001; ExAC 0.00001; gnomAD exomes 0.00001.
gnomAD v4.1: 5 of 1,613,292 alleles (0.00031%); highest among the groups gnomAD compares: South Asian, 0.0044%; no homozygotes.

Submission:

Baylor Genetics
Classification: Uncertain significance for Congenital contractural arachnodactyly. Last evaluated: 2019-07-26. Review status: criteria provided, single submitter. Criteria: ACMG Guidelines, 2015. Collection method: clinical testing. Allele origin: de novo. Affected: yes.
Comment: This variant was determined to be of uncertain significance according to ACMG Guidelines, 2015 [PMID:25741868].

NM_001999.4(FBN2):c.844G>A (p.Ala282Thr)

Gene: FBN2 (fibrillin 2; minus strand). Cytogenetic location: 5q23.3.
Variant type: single nucleotide variant.
Coding change: c.844G>A on transcript NM_001999.4 (MANE Select); coding-DNA position 844, G replaced by A.
Protein change: p.Ala282Thr; replaces alanine 282 with threonine.
Molecular consequence: missense variant.
Genome position (GRCh38, 1-based): chr5:128,446,589, C>T on the plus strand (G>A on the coding strand, the complement: FBN2 is on the minus strand). VCF-style: chr5-128446589-C-T. GRCh37 (hg19) VCF-style: chr5-127782282-C-T.
Other names: short protein forms A282T.
Identifiers: ClinVar variation 1030507 (VCV001030507.1), dbSNP rs772005485, ClinGen allele CA3395967.
Genomic context (GRCh38, chr5:128,446,589, plus strand): 5'-TGCATTCAAAAGAGCCCACTGTATTGATACAGTTTCCTCCTTGGCATATCCCTGGGATAG[C>T]CTGGCATTCATCAACATCTGCAAGAAGAAAACATTTTGAACACAGATGACACTGGTTTTC-3'
Protein context (NP_001990.2, residues 272-292): GACQDVDECQ[Ala282Thr]IPGICQGGNC